The following is an entry in ClinVar:

NM_020937.4(FANCM):c.3407T>C (p.Leu1136Ser)

Gene: FANCM (FA complementation group M; plus strand). Cytogenetic location: 14q21.2.
Variant type: single nucleotide variant.
Coding change: c.3407T>C on transcript NM_020937.4 (MANE Select); coding-DNA position 3407, T replaced by C.
Protein change: p.Leu1136Ser; replaces leucine 1136 with serine.
Molecular consequence: missense variant.
Genome position (GRCh38, 1-based): chr14:45,176,161, T>C. VCF-style: chr14-45176161-T-C. GRCh37 (hg19) VCF-style: chr14-45645364-T-C.
Other names: c.3329T>C, p.Leu1110Ser (NM_001308133.2); short protein forms L1110S, L1136S.
Identifiers: ClinVar variation 839988 (VCV000839988.14), dbSNP rs770989272, ClinGen allele CA7169505.

ClinVar aggregate classification (germline): Uncertain significance. Review status: criteria provided, multiple submitters, no conflicts (2 of 4 stars). 4 submissions from 4 submitters: Uncertain significance (4). Last evaluated 2025-10-01.

Conditions:
Fanconi anemia (FA). Also called: Fanconi's anemia. Identifiers: Orphanet 84, MedGen C0015625, MeSH D005199, MONDO:0019391.

Allele frequency attached by ClinVar (database versions not stated): ExAC 0.00002; gnomAD exomes 0.00002 and 0.00003; TOPMed 0.00002; gnomAD 0.00003.
gnomAD v4.1: 40 of 1,613,990 alleles (0.0025%); highest among the groups gnomAD compares: Non-Finnish European, 0.0031%; no homozygotes.

Submissions (4):

Labcorp Genetics (formerly Invitae), Labcorp
Classification: Uncertain significance for Fanconi anemia. Last evaluated: 2025-10-01. Review status: criteria provided, single submitter. Criteria: Invitae Variant Classification Sherloc (09022015). Collection method: clinical testing. Allele origin: germline.
Comment: This sequence change replaces leucine, which is neutral and non-polar, with serine, which is neutral and polar, at codon 1136 of the FANCM protein (p.Leu1136Ser). This variant is present in population databases (rs770989272, gnomAD 0.006%). This missense change has been observed in individual(s) with breast or ovarian cancer (PMID: 29351780). ClinVar contains an entry for this variant (Variation ID: 839988). An algorithm developed to predict the effect of missense changes on protein structure and function (PolyPhen-2) suggests that this variant is likely to be disruptive. In summary, the available evidence is currently insufficient to determine the role of this variant in disease. Therefore, it has been classified as a Variant of Uncertain Significance.

Quest Diagnostics Nichols Institute San Juan Capistrano
Classification: Uncertain significance. Last evaluated: 2024-08-23. Review status: criteria provided, single submitter. Criteria: Quest Diagnostics criteria. Collection method: clinical testing. Allele origin: unknown.
Comment: The FANCM c.3407T>C (p.Leu1136Ser) variant has been reported in the published literature in individuals with breast and/or ovarian cancer (PMID: 36707629 (2023), 33471991 (2021), 29351780 (2018), see also LOVD) and pancreatic cancer (PMID: 30666157 (2019)). This variant has also been observed in reportedly healthy individuals (PMID: 36707629 (2023), 33471991 (2021),see also LOVD). The frequency of this variant in the general population, 0.000062 (7/113372 chromosomes (Genome Aggregation Database)), is uninformative in the assessment of its pathogenicity. Analysis of this variant using bioinformatics tools for the prediction of the effect of amino acid changes on protein structure and function yielded conflicting predictions that this variant is benign or damaging. Based on the available information, we are unable to determine the clinical significance of this variant.

GeneDx
Classification: Uncertain significance. Last evaluated: 2023-12-28. Review status: criteria provided, single submitter. Criteria: GeneDx Variant Classification Process June 2021. Collection method: clinical testing. Allele origin: germline. Affected: yes.
Comment: Not observed at significant frequency in large population cohorts (gnomAD); In silico analysis supports that this missense variant has a deleterious effect on protein structure/function; Observed in individuals with pancreatic and other cancers (PMID: 30666157, 29351780); This variant is associated with the following publications: (PMID: 30666157, 29351780)

Genetic Services Laboratory, University of Chicago
Classification: Uncertain significance. Last evaluated: 2021-04-21. Review status: criteria provided, single submitter. Criteria: ACMG Guidelines, 2015. Collection method: clinical testing. Allele origin: germline. Affected: no.

Literature cited by the submitters: PubMed 29351780 (cited by Labcorp Genetics (formerly Invitae), Labcorp and Quest Diagnostics Nichols Institute San Juan Capistrano); PubMed 33471991 (cited by Quest Diagnostics Nichols Institute San Juan Capistrano); PubMed 30666157 (cited by Quest Diagnostics Nichols Institute San Juan Capistrano); PubMed 36707629 (cited by Quest Diagnostics Nichols Institute San Juan Capistrano).